The following is an entry in ClinVar:

ClinVar aggregate classification (germline): Likely benign. Review status: reviewed by expert panel (3 of 4 stars). 2 submissions from 2 submitters: Likely benign (1). 1 of the submissions does not count toward it. Last evaluated 2024-11-04.

Conditions:
Hereditary thrombocytopenia and hematological cancer predisposition syndrome associated with RUNX1. Also called: RUNX1 Familial Platelet Disorder with Associated Myeloid Malignancies; Familial Platelet Disorder with Propensity to Acute Myelogenous Leukemia; Familial thrombocytopenia with propensity to acute myelogenous leukemia; PLATELET DISORDER, ASPIRIN-LIKE. Identifiers: Orphanet 71290, MedGen C1832388, MeSH C563324, MONDO:0100083, OMIM 601399.
Hereditary thrombocytopenia and hematologic cancer predisposition syndrome. Identifiers: Orphanet 71290, MedGen CN281654, MONDO:0011071.

Allele frequency attached by ClinVar (database versions not stated): ExAC 0.00005.
gnomAD v4.1: 3 of 1,560,954 alleles (0.00019%); highest among the groups gnomAD compares: Non-Finnish European, 0.00026%; no homozygotes.

Submissions (2):

ClinGen Myeloid Malignancy Variant Curation Expert Panel
Classification: Likely benign for Hereditary thrombocytopenia and hematologic cancer predisposition syndrome. Last evaluated: 2024-11-04. Review status: reviewed by expert panel. Criteria: ClinGen MyeloMalig ACMG Specifications v2. Collection method: curation. Allele origin: germline. Inheritance: Autosomal dominant inheritance.
Comment: NM_001754.5(RUNX1):c.968-18C>T is an intronic variant which has a SpliceAI score ≤ 0.20 (0.0) (BP4). This variant has a SpliceAI score ≤ 0.20 (0.0) and evolutionary conservation prediction algorithms predict the site as not being conserved (PhyloP score ≤ 2.0 (0.0) (BP7). In summary, this variant meets criteria to be classified as likely benign. ACMG/AMP criteria applied, as specified by the Myeloid Malignancy Variant Curation Expert Panel for RUNX1: BP4, BP7.

Labcorp Genetics (formerly Invitae), Labcorp
Classification: Likely benign for Hereditary thrombocytopenia and hematological cancer predisposition syndrome associated with RUNX1. Last evaluated: 2023-01-24. Review status: criteria provided, single submitter. Criteria: Invitae Variant Classification Sherloc (09022015). Collection method: clinical testing. Allele origin: germline. Not counted in ClinVar's aggregate classification.

NM_001754.5(RUNX1):c.968-18C>T

Gene: RUNX1 (RUNX family transcription factor 1; minus strand). Cytogenetic location: 21q22.12.
Variant type: single nucleotide variant.
Coding change: c.968-18C>T on transcript NM_001754.5 (MANE Select); 18 bases into the intron before coding-DNA position 968, C replaced by T.
Molecular consequence: intron variant.
Genome position (GRCh38, 1-based): chr21:34,792,628, G>A on the plus strand (C>T on the coding strand, the complement: RUNX1 is on the minus strand). VCF-style: chr21-34792628-G-A. GRCh37 (hg19) VCF-style: chr21-36164925-G-A.
Other names: c.887-18C>T (NM_001001890.3).
Identifiers: ClinVar variation 2919908 (VCV002919908.4), dbSNP rs759758801, ClinGen allele CA10014236.